The following is an entry in ClinVar:

ClinVar aggregate classification (germline): Uncertain significance (1 of 4 stars; one submission).

Submission:

Labcorp Genetics (formerly Invitae), Labcorp
Classification: Uncertain significance. Last evaluated: 2022-08-22. Review status: criteria provided, single submitter. Criteria: Invitae Variant Classification Sherloc (09022015). Collection method: clinical testing. Allele origin: germline.
Comment: This variant is not present in population databases (gnomAD no frequency). This sequence change falls in intron 8 of the SCLT1 gene. It does not directly change the encoded amino acid sequence of the SCLT1 protein. It affects a nucleotide within the consensus splice site. This variant has not been reported in the literature in individuals affected with SCLT1-related conditions. In summary, the available evidence is currently insufficient to determine the role of this variant in disease. Therefore, it has been classified as a Variant of Uncertain Significance. Variants that disrupt the consensus splice site are a relatively common cause of aberrant splicing (PMID: 17576681, 9536098). Algorithms developed to predict the effect of sequence changes on RNA splicing suggest that this variant is not likely to affect RNA splicing.

Literature cited by the submitters: PubMed 17576681; PubMed 9536098.

NM_144643.4(SCLT1):c.615+3A>G

Gene: SCLT1 (sodium channel and clathrin linker 1; minus strand). Cytogenetic location: 4q28.2.
Variant type: single nucleotide variant.
Coding change: c.615+3A>G on transcript NM_144643.4 (MANE Select); 3 bases into the intron after coding-DNA position 615, A replaced by G.
Molecular consequence: intron variant.
Genome position (GRCh38, 1-based): chr4:128,997,871, T>C on the plus strand (A>G on the coding strand, the complement: SCLT1 is on the minus strand). VCF-style: chr4-128997871-T-C. GRCh37 (hg19) VCF-style: chr4-129919026-T-C.
Identifiers: ClinVar variation 2042240 (VCV002042240.2), dbSNP rs2530711113, ClinGen allele CA2580071535.